The following is an entry in ClinVar:

NM_001267550.2(TTN):c.55747C>G (p.Pro18583Ala)

Genes: TTN (titin; minus strand), TTN-AS1 (TTN antisense RNA 1; plus strand). Cytogenetic location: 2q31.2.
Variant type: single nucleotide variant.
Coding change: c.55747C>G on transcript NM_001267550.2 (MANE Select); coding-DNA position 55747, C replaced by G.
Protein change: p.Pro18583Ala; replaces proline 18583 with alanine.
Molecular consequence: missense variant.
Genome position (GRCh38, 1-based): chr2:178,601,157, G>C on the plus strand (C>G on the coding strand, the complement: TTN is on the minus strand). VCF-style: chr2-178601157-G-C. GRCh37 (hg19) VCF-style: chr2-179465884-G-C.
Other names: c.50824C>G, p.Pro16942Ala (NM_001256850.1); c.28552C>G, p.Pro9518Ala (NM_003319.4); c.48043C>G, p.Pro16015Ala (NM_133378.4); c.28927C>G, p.Pro9643Ala (NM_133432.3); c.29128C>G, p.Pro9710Ala (NM_133437.4); short protein forms P16015A, P16942A, P18583A, P9518A, P9643A, P9710A.
Identifiers: ClinVar variation 4875311 (VCV004875311.2).

ClinVar aggregate classification (germline): Uncertain significance (1 of 4 stars; one submission).

Submission:

CeGaT Center for Human Genetics Tuebingen
Classification: Uncertain significance. Last evaluated: 2026-06-01. Review status: criteria provided, single submitter. Criteria: CeGaT Center For Human Genetics Tuebingen Variant Classification Criteria Version 2. Collection method: clinical testing. Allele origin: germline. Affected: yes. Observed: 1 variant allele.
Comment: TTN: PM2, PP3